The following is an entry in ClinVar:

ClinVar aggregate classification (germline): Uncertain significance (1 of 4 stars; one submission).

Submission:

GeneDx
Classification: Uncertain significance. Last evaluated: 2025-06-17. Review status: criteria provided, single submitter. Criteria: GeneDx Variant Classification Process June 2021. Collection method: clinical testing. Allele origin: germline. Affected: yes.
Comment: Not observed at significant frequency in large population cohorts (gnomAD); In silico analysis suggests that this missense variant does not alter protein structure/function; Has not been previously published as pathogenic or benign to our knowledge

NM_015322.5(FEM1B):c.830A>G (p.Tyr277Cys)

Gene: FEM1B (fem-1 homolog B; plus strand). Cytogenetic location: 15q23.
Variant type: single nucleotide variant.
Coding change: c.830A>G on transcript NM_015322.5 (MANE Select); coding-DNA position 830, A replaced by G.
Protein change: p.Tyr277Cys; replaces tyrosine 277 with cysteine.
Molecular consequence: missense variant.
Genome position (GRCh38, 1-based): chr15:68,290,188, A>G. VCF-style: chr15-68290188-A-G. GRCh37 (hg19) VCF-style: chr15-68582526-A-G.
Other names: short protein forms Y277C.
Identifiers: ClinVar variation 4538690 (VCV004538690.1).